The following is an entry in ClinVar:

ClinVar aggregate classification (germline): Conflicting classifications of pathogenicity. Review status: criteria provided, conflicting classifications (1 of 4 stars). 2 submissions from 2 submitters: Likely pathogenic (1); Uncertain significance (1). Last evaluated 2026-09-04.

Conditions:
Mitochondrial complex II deficiency, nuclear type 1. Also called: SUCCINATE CoQ REDUCTASE DEFICIENCY. Identifiers: Orphanet 3208, MedGen C5700310, MONDO:0100294, OMIM 252011.
Pheochromocytoma/paraganglioma syndrome 5. Also called: Paragangliomas 5; SDHA-Related Hereditary Paraganglioma-Pheochromocytoma Syndrome. Identifiers: Orphanet 29072, MedGen C3279992, MONDO:0013602, OMIM 614165.
Hereditary cancer-predisposing syndrome. Also called: Tumor predisposition; Neoplastic Syndromes, Hereditary; Hereditary Cancer Syndrome; Hereditary neoplastic syndrome. Identifiers: Orphanet 140162, MedGen C0027672, MeSH D009386, MONDO:0015356.

Submissions (2):

Ambry Genetics
Classification: Likely pathogenic for Hereditary cancer-predisposing syndrome. Last evaluated: 2026-09-04. Review status: criteria provided, single submitter. Criteria: Ambry Variant Classification Scheme 2023. Collection method: clinical testing. Allele origin: germline.
Comment: The p.R312P variant (also known as c.935G>C), located in coding exon 8 of the SDHA gene, results from a G to C substitution at nucleotide position 935. The arginine at codon 312 is replaced by proline, an amino acid with dissimilar properties. This variant was reported in individual(s) with features consistent with SDHA-related hereditary pheochromocytoma-paraganglioma (Ambry internal data). Other variant(s) at the same codon, p.R312H (c.935G>A), have been identified in individual(s) with features consistent with SDHA-related hereditary pheochromocytoma-paraganglioma (Ambry internal data). Based on internal structural analysis, this variant is anticipated to disrupt a region of known function (Ambry internal data). This amino acid position is highly conserved in available vertebrate species. In addition, this alteration is predicted to be deleterious by in silico analysis. This variant is considered to be rare based on population cohorts in the Genome Aggregation Database (gnomAD). Based on the majority of available evidence to date, this variant is likely to be pathogenic.

Labcorp Genetics (formerly Invitae), Labcorp
Classification: Uncertain significance for Pheochromocytoma/paraganglioma syndrome 5; Mitochondrial complex II deficiency, nuclear type 1. Last evaluated: 2024-11-11. Review status: criteria provided, single submitter. Criteria: Invitae Variant Classification Sherloc (09022015). Collection method: clinical testing. Allele origin: germline.
Comment: This sequence change replaces arginine, which is basic and polar, with proline, which is neutral and non-polar, at codon 312 of the SDHA protein (p.Arg312Pro). This variant is not present in population databases (gnomAD no frequency). This variant has not been reported in the literature in individuals affected with SDHA-related conditions. ClinVar contains an entry for this variant (Variation ID: 234215). Invitae Evidence Modeling of protein sequence and biophysical properties (such as structural, functional, and spatial information, amino acid conservation, physicochemical variation, residue mobility, and thermodynamic stability) has been performed for this missense variant. However, the output from this modeling did not meet the statistical confidence thresholds required to predict the impact of this variant on SDHA protein function. In summary, the available evidence is currently insufficient to determine the role of this variant in disease. Therefore, it has been classified as a Variant of Uncertain Significance.

NM_004168.4(SDHA):c.935G>C (p.Arg312Pro)

Gene: SDHA (succinate dehydrogenase complex flavoprotein subunit A; plus strand). Cytogenetic location: 5p15.33.
Variant type: single nucleotide variant.
Coding change: c.935G>C on transcript NM_004168.4 (MANE Select); coding-DNA position 935, G replaced by C.
Protein change: p.Arg312Pro; replaces arginine 312 with proline.
Molecular consequence: missense variant.
Genome position (GRCh38, 1-based): chr5:233,516, G>C. VCF-style: chr5-233516-G-C. GRCh37 (hg19) VCF-style: chr5-233631-G-C.
Other names: c.791G>C, p.Arg264Pro (NM_001294332.2); c.935G>C, p.Arg312Pro (NM_001330758.2); short protein forms R312P, R264P.
Identifiers: ClinVar variation 234215 (VCV000234215.9), dbSNP rs876660932, ClinGen allele CA10578628.